The following is an entry in ClinVar:

ClinVar aggregate classification (germline): Uncertain significance (1 of 4 stars; one submission).

Conditions:
Succinate-semialdehyde dehydrogenase deficiency (SSADHD). Also called: 4-HYDROXYBUTYRIC ACIDURIA; GABA METABOLIC DEFECT; SSADH DEFICIENCY; Succinic Semialdehyde Dehydrogenase Deficiency. Identifiers: Orphanet 22, MedGen C0268631, MONDO:0010083, OMIM 271980.

Submission:

Labcorp Genetics (formerly Invitae), Labcorp
Classification: Uncertain significance for Succinate-semialdehyde dehydrogenase deficiency. Last evaluated: 2026-02-02. Review status: criteria provided, single submitter. Criteria: Invitae Variant Classification Sherloc (09022015). Collection method: clinical testing. Allele origin: germline.
Comment: This sequence change replaces lysine, which is basic and polar, with glutamine, which is neutral and polar, at codon 151 of the ALDH5A1 protein (p.Lys151Gln). This variant is not present in population databases (gnomAD no frequency). This variant has not been reported in the literature in individuals affected with ALDH5A1-related conditions. Invitae Evidence Modeling of protein sequence and biophysical properties (such as structural, functional, and spatial information, amino acid conservation, physicochemical variation, residue mobility, and thermodynamic stability) indicates that this missense variant is not expected to disrupt ALDH5A1 protein function with a negative predictive value of 80%. In summary, the available evidence is currently insufficient to determine the role of this variant in disease. Therefore, it has been classified as a Variant of Uncertain Significance.

NM_001080.3(ALDH5A1):c.451A>C (p.Lys151Gln)

Gene: ALDH5A1 (aldehyde dehydrogenase 5 family member A1; plus strand). Cytogenetic location: 6p22.3.
Variant type: single nucleotide variant.
Coding change: c.451A>C on transcript NM_001080.3 (MANE Select); coding-DNA position 451, A replaced by C.
Protein change: p.Lys151Gln; replaces lysine 151 with glutamine.
Molecular consequence: missense variant.
Genome position (GRCh38, 1-based): chr6:24,503,275, A>C. VCF-style: chr6-24503275-A-C. GRCh37 (hg19) VCF-style: chr6-24503503-A-C.
Other names: c.451A>C, p.Lys151Gln (NM_001368954.1, NM_170740.1); short protein forms K151Q.
Identifiers: ClinVar variation 4723348 (VCV004723348.1).